The following is an entry in ClinVar:

ClinVar aggregate classification (germline): Pathogenic/Likely pathogenic. Review status: criteria provided, multiple submitters, no conflicts (2 of 4 stars). 3 submissions from 3 submitters: Pathogenic (2); Likely pathogenic (1). Last evaluated 2025-12-10.

Conditions:
Hereditary angioedema type 1 (HAE1). Identifiers: Orphanet 100050, Orphanet 100051, Orphanet 91378, MedGen C2717906, MONDO:0015053, OMIM 106100.

Submissions (3):

Labcorp Genetics (formerly Invitae), Labcorp
Classification: Pathogenic. Last evaluated: 2025-12-10. Review status: criteria provided, single submitter. Criteria: Invitae Variant Classification Sherloc (09022015). Collection method: clinical testing. Allele origin: germline.
Comment: This sequence change creates a premature translational stop signal (p.Glu451Aspfs*21) in the SERPING1 gene. While this is not anticipated to result in nonsense mediated decay, it is expected to disrupt the last 50 amino acid(s) of the SERPING1 protein. This variant is not present in population databases (gnomAD no frequency). This premature translational stop signal has been observed in individual(s) with hereditary angioedema (PMID: 17502473, 18758157, 26812872). This variant disrupts a region of the SERPING1 protein in which other variant(s) (p.Arg494Gln) have been determined to be pathogenic (PMID: 18586324; internal data). This suggests that this is a clinically significant region of the protein, and that variants that disrupt it are likely to be disease-causing. For these reasons, this variant has been classified as Pathogenic.

GeneDx
Classification: Likely pathogenic. Last evaluated: 2017-12-15. Review status: criteria provided, single submitter. Criteria: GeneDx Variant Classification (06012015). Collection method: clinical testing. Allele origin: germline. Affected: yes.
Comment: The c.1353_1354delGA variant in the SERPING1 gene has been reported previously in association with hereditary angioedema (Yakushiji et al., 2007; Gosswein et al., 2008; Cagini et al., 2016). The variant is not observed in large population cohorts (Lek et al., 2016). The duplication causes a frameshift starting with codon Glutamic acid 451, changes this amino acid to an Aspartic acid residue and creates a premature Stop codon at position 21 of the new reading frame, denoted p.Glu451AspfsX21. This variant is predicted to cause loss of normal protein function through protein truncation. In summary, this variant is likely pathogenic; however, the possibility that it is benign cannot be excluded.

Department of Immunology and Histocompatibility, University of Thessaly
Classification: Pathogenic for Hereditary angioedema type 1. Review status: criteria provided, single submitter. Criteria: ACMG Guidelines, 2015. Collection method: clinical testing. Allele origin: germline. Affected: yes. Observed: 1 variant allele.
Comment: The c.1353_1354delGA (p.Glu451Aspfs*21) variant has been previously reported in association with hereditary angioedema in the literature (Yakushiji et al., 2007; Gosswein et al., 2008; Cagini et al., 2016, Loules et al., 2018), in HAE database and in ClinVar database. The variant has not been detected in approximately 120000 individuals of the Exome Aggregation Consortium (ExAC) database, indicating that it is not a common variant. Taking all the above into account and according to ACMG Guidelines (Criteria: PVS1, PM2, PM4, PM6, PP4, PP5), the variant is considered pathogenic.

Literature cited by the submitters: PubMed 17502473 (cited by Labcorp Genetics (formerly Invitae), Labcorp); PubMed 18758157 (cited by Labcorp Genetics (formerly Invitae), Labcorp); PubMed 26812872 (cited by Labcorp Genetics (formerly Invitae), Labcorp); PubMed 18586324 (cited by Labcorp Genetics (formerly Invitae), Labcorp); PubMed 29753808 (cited by Department of Immunology and Histocompatibility, University of Thessaly).

NM_000062.3(SERPING1):c.1353_1354del (p.Glu451fs)

Gene: SERPING1 (serpin family G member 1; plus strand). Cytogenetic location: 11q12.1.
Variant type: Microsatellite.
Coding change: c.1353_1354del on transcript NM_000062.3 (MANE Select); coding-DNA positions 1353 to 1354, 2 bases deleted (GA; older notation c.1353_1354delGA).
Protein change: p.Glu451fs; shifts the reading frame from glutamic acid 451.
Molecular consequence: frameshift variant.
Genome position (GRCh38, 1-based): chr11:57,614,431-57,614,432, GA deleted; deleting any 2 consecutive bases within chr11:57,614,428-57,614,432 gives the same sequence; the c. name uses the placement nearest the transcript's 3' end. VCF-style (leftmost placement, unchanged base first): chr11-57614427-CAG-C. GRCh37 (hg19) VCF-style: chr11-57381900-CAG-C.
Other names: c.1353_1354del, p.Glu451fs (NM_001032295.2); c.1353_1354delGA (NM_000062.2); short protein forms E451fs.
Identifiers: ClinVar variation 503707 (VCV000503707.8), dbSNP rs1554996833, ClinGen allele CA658797652.